The following is an entry in ClinVar:

ClinVar aggregate classification (germline): Uncertain significance (1 of 4 stars; one submission).

Submission:

GeneDx
Classification: Uncertain significance. Last evaluated: 2026-02-20. Review status: criteria provided, single submitter. Criteria: GeneDx Variant Classification Process June 2021. Collection method: clinical testing. Allele origin: germline.
Comment: Not observed at significant frequency in large population cohorts (gnomAD); In silico analysis supports a deleterious effect on splicing; In silico analysis suggests that this missense variant does not alter protein structure/function; Has not been previously published as pathogenic or benign to our knowledge

NM_001378974.1(FBXW11):c.790G>A (p.Val264Ile)

Gene: FBXW11 (F-box and WD repeat domain containing 11; minus strand). Cytogenetic location: 5q35.1.
Variant type: single nucleotide variant.
Coding change: c.790G>A on transcript NM_001378974.1 (MANE Select); coding-DNA position 790, G replaced by A.
Protein change: p.Val264Ile; replaces valine 264 with isoleucine.
Molecular consequence: missense variant.
Genome position (GRCh38, 1-based): chr5:171,891,529, C>T on the plus strand (G>A on the coding strand, the complement: FBXW11 is on the minus strand). VCF-style: chr5-171891529-C-T. GRCh37 (hg19) VCF-style: chr5-171318533-C-T.
Other names: c.721G>A, p.Val241Ile (NM_001378975.1); c.694G>A, p.Val232Ile (NM_001378976.1); c.631G>A, p.Val211Ile (NM_001378977.1, NM_001378978.1, NM_001378979.1); c.625G>A, p.Val209Ile (NM_001378980.1, NM_033645.3); c.727G>A, p.Val243Ile (NM_012300.3); c.688G>A, p.Val230Ile (NM_033644.3); short protein forms V211I, V209I, V230I, V232I, V241I, V264I, V243I.
Identifiers: ClinVar variation 5009848 (VCV005009848.1).